The following is an entry in ClinVar:

ClinVar aggregate classification (germline): Uncertain significance (1 of 4 stars; one submission).

Conditions:
Hereditary cancer-predisposing syndrome. Also called: Tumor predisposition; Hereditary neoplastic syndrome; Hereditary Cancer Syndrome; Neoplastic Syndromes, Hereditary. Identifiers: Orphanet 140162, MedGen C0027672, MeSH D009386, MONDO:0015356.

Allele frequency attached by ClinVar (database versions not stated): gnomAD exomes below 0.00001.

Submission:

Ambry Genetics
Classification: Uncertain significance for Hereditary cancer-predisposing syndrome. Last evaluated: 2023-11-10. Review status: criteria provided, single submitter. Criteria: Ambry Variant Classification Scheme 2023. Collection method: clinical testing. Allele origin: germline.
Comment: The p.Q177H variant (also known as c.531G>T), located in coding exon 6 of the RAD51D gene, results from a G to T substitution at nucleotide position 531. The glutamine at codon 177 is replaced by histidine, an amino acid with highly similar properties. This amino acid position is conserved. In addition, this alteration is predicted to be tolerated by in silico analysis. Since supporting evidence is limited at this time, the clinical significance of this alteration remains unclear.

NM_002878.4(RAD51D):c.531G>T (p.Gln177His)

Genes: RAD51L3-RFFL (RAD51L3-RFFL readthrough; minus strand), RAD51D (RAD51 paralog D; minus strand). Cytogenetic location: 17q12.
Variant type: single nucleotide variant.
Coding change: c.531G>T on transcript NM_002878.4 (MANE Select); coding-DNA position 531, G replaced by T.
Protein change: p.Gln177His; replaces glutamine 177 with histidine.
Molecular consequence: missense variant. On other transcripts: non-coding transcript variant (3).
Genome position (GRCh38, 1-based): chr17:35,106,431, C>A on the plus strand (G>T on the coding strand, the complement: RAD51D is on the minus strand). VCF-style: chr17-35106431-C-A. GRCh37 (hg19) VCF-style: chr17-33433450-C-A.
Other names: c.591G>T, p.Gln197His (NM_001142571.2); c.195G>T, p.Gln65His (NM_133629.3); short protein forms Q177H, Q197H, Q65H.
Identifiers: ClinVar variation 3222885 (VCV003222885.1), dbSNP rs1555568143, ClinGen allele CA399088767.